The following is an entry in ClinVar:

NM_014727.3(KMT2B):c.181C>T (p.Pro61Ser)

Genes: KMT2B (lysine methyltransferase 2B; plus strand), LOC130064258 (ATAC-STARR-seq lymphoblastoid silent region 10535; plus strand). Cytogenetic location: 19q13.12.
Variant type: single nucleotide variant.
Coding change: c.181C>T on transcript NM_014727.3 (MANE Select); coding-DNA position 181, C replaced by T.
Protein change: p.Pro61Ser; replaces proline 61 with serine.
Molecular consequence: missense variant.
Genome position (GRCh38, 1-based): chr19:35,718,199, C>T. VCF-style: chr19-35718199-C-T. GRCh37 (hg19) VCF-style: chr19-36209101-C-T.
Other names: short protein forms P61S.
Identifiers: ClinVar variation 2574246 (VCV002574246.1), dbSNP rs1272125446, ClinGen allele CA405374954.
Genomic context (GRCh38, chr19:35,718,199, plus strand): 5'-GAAAGAGTGCGGGTAGCTCTGCGGCGCGGCGGTGGCGCGACGGGGCCGGGCGGAGCCGAG[C>T]CCGGGGAGGACACGGCCCTGCTCCGTTTGCTGGGGCTCCGCCGGGGCCTGCGCCGGCTCC-3'
Protein context (NP_055542.1, residues 51-71): GGATGPGGAE[Pro61Ser]GEDTALLRLL

ClinVar aggregate classification (germline): Uncertain significance (1 of 4 stars; one submission).

Submission:

GeneDx
Classification: Uncertain significance. Last evaluated: 2023-01-30. Review status: criteria provided, single submitter. Criteria: GeneDx Variant Classification Process June 2021. Collection method: clinical testing. Allele origin: germline. Affected: yes.
Comment: Not observed at significant frequency in large population cohorts (gnomAD); In silico analysis supports that this missense variant does not alter protein structure/function; Has not been previously published as pathogenic or benign to our knowledge